The following is an entry in ClinVar:

ClinVar aggregate classification (germline): Uncertain significance. Review status: criteria provided, multiple submitters, no conflicts (2 of 4 stars). 2 submissions from 2 submitters: Uncertain significance (2). Last evaluated 2025-11-15.

Conditions:
Inborn genetic diseases. Identifiers: MedGen C0950123, MeSH D030342.

Submissions (2):

Ambry Genetics
Classification: Uncertain significance for Inborn genetic diseases. Last evaluated: 2025-11-15. Review status: criteria provided, single submitter. Criteria: Ambry Variant Classification Scheme 2023. Collection method: clinical testing. Allele origin: germline.
Comment: The p.D750G variant (also known as c.2249A>G), located in coding exon 13 of the FANCM gene, results from an A to G substitution at nucleotide position 2249. The aspartic acid at codon 750 is replaced by glycine, an amino acid with similar properties. This amino acid position is conserved. In addition, this alteration is predicted to be tolerated by in silico analysis. Based on the available evidence, the clinical significance of this variant remains unclear.

Quest Diagnostics Nichols Institute San Juan Capistrano
Classification: Uncertain significance. Last evaluated: 2024-09-10. Review status: criteria provided, single submitter. Criteria: Quest Diagnostics criteria. Collection method: clinical testing. Allele origin: unknown.
Comment: The FANCM c.2249A>G (p.Asp750Gly) variant has not been reported in individuals with FANCM-related conditions in the published literature. It also has not been reported in large, multi-ethnic general populations (Genome Aggregation Database). Analysis of this variant using bioinformatics tools for the prediction of the effect of amino acid changes on protein structure and function yielded predictions that this variant is benign. Based on the available information, we are unable to determine the clinical significance of this variant.

NM_020937.4(FANCM):c.2249A>G (p.Asp750Gly)

Gene: FANCM (FA complementation group M; plus strand). Cytogenetic location: 14q21.2.
Variant type: single nucleotide variant.
Coding change: c.2249A>G on transcript NM_020937.4 (MANE Select); coding-DNA position 2249, A replaced by G.
Protein change: p.Asp750Gly; replaces aspartic acid 750 with glycine.
Molecular consequence: missense variant.
Genome position (GRCh38, 1-based): chr14:45,173,143, A>G. VCF-style: chr14-45173143-A-G. GRCh37 (hg19) VCF-style: chr14-45642346-A-G.
Other names: c.2171A>G, p.Asp724Gly (NM_001308133.2); short protein forms D750G, D724G.
Identifiers: ClinVar variation 3572283 (VCV003572283.2).